The following is an entry in ClinVar:

NM_001447.3(FAT2):c.11330G>C (p.Arg3777Thr)

Genes: FAT2 (FAT atypical cadherin 2; minus strand), SLC36A1 (solute carrier family 36 member 1; plus strand). Cytogenetic location: 5q33.1.
Variant type: single nucleotide variant.
Coding change: c.11330G>C on transcript NM_001447.3 (MANE Select); coding-DNA position 11330, G replaced by C.
Protein change: p.Arg3777Thr; replaces arginine 3777 with threonine.
Molecular consequence: missense variant.
Genome position (GRCh38, 1-based): chr5:151,517,753, C>G on the plus strand (G>C on the coding strand, the complement: FAT2 is on the minus strand). VCF-style: chr5-151517753-C-G. GRCh37 (hg19) VCF-style: chr5-150897314-C-G.
Other names: short protein forms R3777T.
Identifiers: ClinVar variation 2498989 (VCV002498989.28), dbSNP rs994473013, ClinGen allele CA361823052.
Genomic context (GRCh38, chr5:151,517,753, plus strand): 5'-TGGATGTGCCAGTTCCGAGCCGCTGGGGCCCTGTACCGCACATAGCTCTGACCACTGAAC[C>G]TTGTAGCAGTACCTGAGAAAGCAACCAAAGCTGTCACCTCTACTTGAAGTGGTCCCCATT-3'
Protein context (NP_001438.1, residues 3767-3787): RSCSCNGTAT[Arg3777Thr]FSGQSYVRYR

ClinVar aggregate classification (germline): Uncertain significance (1 of 4 stars; one submission).

gnomAD v4.1: 1 of 1,614,172 alleles (0.000062%); highest among the groups gnomAD compares: Non-Finnish European, 0.000085%; no homozygotes.

Submission:

CeGaT Center for Human Genetics Tuebingen
Classification: Uncertain significance. Last evaluated: 2023-01-01. Review status: criteria provided, single submitter. Criteria: CeGaT Center For Human Genetics Tuebingen Variant Classification Criteria Version 2. Collection method: clinical testing. Allele origin: germline. Affected: yes. Observed: 1 variant allele.
Comment: FAT2: PM2, BP4